The following is an entry in ClinVar:

ClinVar aggregate classification (germline): Likely benign (1 of 4 stars; one submission).

gnomAD v4.1: 3 of 1,614,070 alleles (0.00019%); highest among the groups gnomAD compares: Non-Finnish European, 0.00025%; no homozygotes.

Submission:

CeGaT Center for Human Genetics Tuebingen
Classification: Likely benign. Last evaluated: 2024-11-01. Review status: criteria provided, single submitter. Criteria: CeGaT Center For Human Genetics Tuebingen Variant Classification Criteria Version 2. Collection method: clinical testing. Allele origin: germline. Affected: yes. Observed: 1 variant allele.
Comment: APTX: BP4, BP7

NM_001195248.2(APTX):c.441C>T (p.Cys147=)

Gene: APTX (aprataxin; minus strand). Cytogenetic location: 9p21.1.
Variant type: single nucleotide variant.
Coding change: c.441C>T on transcript NM_001195248.2 (MANE Select); coding-DNA position 441, C replaced by T.
Protein change: p.Cys147=; no amino-acid change (cysteine 147 retained).
Molecular consequence: synonymous variant. On other transcripts: non-coding transcript variant (13), intron variant (1).
Genome position (GRCh38, 1-based): chr9:32,987,586, G>A on the plus strand (C>T on the coding strand, the complement: APTX is on the minus strand). VCF-style: chr9-32987586-G-A. GRCh37 (hg19) VCF-style: chr9-32987584-G-A.
Other names: c.177C>T, p.Cys59= (NM_001369002.1, NM_001369003.1, NM_001369004.1 and 5 more transcripts); c.441C>T, p.Cys147= (NM_175069.3, NM_175073.3, NM_001195249.2 and 6 more transcripts); c.267+174C>T (NM_001195252.2); c.279C>T, p.Cys93= (NM_001195250.2, NM_001195254.2, NM_001369000.1 and 1 more transcripts).
Identifiers: ClinVar variation 3389308 (VCV003389308.14).